The following is an entry in ClinVar:

NM_000094.4(COL7A1):c.5654C>T (p.Pro1885Leu)

Gene: COL7A1 (collagen type VII alpha 1 chain; minus strand). Cytogenetic location: 3p21.31.
Variant type: single nucleotide variant.
Coding change: c.5654C>T on transcript NM_000094.4 (MANE Select); coding-DNA position 5654, C replaced by T.
Protein change: p.Pro1885Leu; replaces proline 1885 with leucine.
Molecular consequence: missense variant.
Genome position (GRCh38, 1-based): chr3:48,576,722, G>A on the plus strand (C>T on the coding strand, the complement: COL7A1 is on the minus strand). VCF-style: chr3-48576722-G-A. GRCh37 (hg19) VCF-style: chr3-48614155-G-A.
Other names: short protein forms P1885L.
Identifiers: ClinVar variation 2045425 (VCV002045425.4), dbSNP rs151032217, ClinGen allele CA2379395.
Genomic context (GRCh38, chr3:48,576,722, plus strand): 5'-CCCAGGACACTCACCTGGCCAGGAGGGCCCACTGGCCCTGGGAGGCCTGGAGGCCCCTGG[G>A]GTCCAAGGATACCAGGAGCTCCACGCTCACCCTTGGGGCCATCACGACCCTGTGAAGGAT-3'
Protein context (NP_000085.1, residues 1875-1895): GERGAPGILG[Pro1885Leu]QGPPGLPGPV

ClinVar aggregate classification (germline): Conflicting classifications of pathogenicity. Review status: criteria provided, conflicting classifications (1 of 4 stars). 3 submissions from 3 submitters: Uncertain significance (2); Likely benign (1). Last evaluated 2025-04-08.

Conditions:
Inborn genetic diseases. Identifiers: MedGen C0950123, MeSH D030342.

Allele frequency attached by ClinVar (database versions not stated): ExAC 0.00001; gnomAD 0.00004; ESP Exome Variant Server 0.00008; 1000 Genomes Project 30x 0.00016; gnomAD exomes 0.00001; TOPMed 0.00003; 1000 Genomes Project 0.00020.
gnomAD v4.1: 27 of 1,611,090 alleles (0.0017%); highest among the groups gnomAD compares: Middle Eastern, 0.05%; no homozygotes.

Submissions (3):

Ambry Genetics
Classification: Likely benign for Inborn genetic diseases. Last evaluated: 2025-04-08. Review status: criteria provided, single submitter. Criteria: Ambry Variant Classification Scheme 2023. Collection method: clinical testing. Allele origin: germline.

Women's Health and Genetics/Laboratory Corporation of America, LabCorp
Classification: Uncertain significance. Last evaluated: 2024-11-04. Review status: criteria provided, single submitter. Criteria: LabCorp Variant Classification Summary - May 2015. Collection method: clinical testing. Allele origin: germline.

Labcorp Genetics (formerly Invitae), Labcorp
Classification: Uncertain significance. Last evaluated: 2024-10-16. Review status: criteria provided, single submitter. Criteria: Invitae Variant Classification Sherloc (09022015). Collection method: clinical testing. Allele origin: germline.
Comment: This sequence change replaces proline, which is neutral and non-polar, with leucine, which is neutral and non-polar, at codon 1885 of the COL7A1 protein (p.Pro1885Leu). The frequency data for this variant in the population databases is considered unreliable, as metrics indicate poor data quality at this position in the gnomAD database. This variant has not been reported in the literature in individuals affected with COL7A1-related conditions. ClinVar contains an entry for this variant (Variation ID: 2045425). Invitae Evidence Modeling of protein sequence and biophysical properties (such as structural, functional, and spatial information, amino acid conservation, physicochemical variation, residue mobility, and thermodynamic stability) indicates that this missense variant is not expected to disrupt COL7A1 protein function with a negative predictive value of 95%. In summary, the available evidence is currently insufficient to determine the role of this variant in disease. Therefore, it has been classified as a Variant of Uncertain Significance.